The following is an entry in ClinVar:

NM_000282.4(PCCA):c.449A>G (p.Lys150Arg)

Gene: PCCA (propionyl-CoA carboxylase subunit alpha; plus strand). Cytogenetic location: 13q32.3.
Variant type: single nucleotide variant.
Coding change: c.449A>G on transcript NM_000282.4 (MANE Select); coding-DNA position 449, A replaced by G.
Protein change: p.Lys150Arg; replaces lysine 150 with arginine.
Molecular consequence: missense variant. On other transcripts: 5 prime UTR variant (3), non-coding transcript variant (5).
Genome position (GRCh38, 1-based): chr13:100,157,321, A>G. VCF-style: chr13-100157321-A-G. GRCh37 (hg19) VCF-style: chr13-100809575-A-G.
Other names: c.371A>G, p.Lys124Arg (NM_001127692.3, NM_001352607.2, NM_001352608.2); c.449A>G, p.Lys150Arg (NM_001178004.2, NM_001352605.2, NM_001352606.2 and 1 more transcripts); c.-418A>G (NM_001352610.2, NM_001352611.2, NM_001352612.2); short protein forms K150R, K124R.
Identifiers: ClinVar variation 2197660 (VCV002197660.3), dbSNP rs146589365, ClinGen allele CA7033229.
Genomic context (GRCh38, chr13:100,157,321, plus strand): 5'-AAGTGCTTTTTGCTTTCATTTCTAAGGTACATCCAGGTTATGGATTCCTTTCAGAAAACA[A>G]AGAATTTGCCAGATGTTTGGTAAGTTGGTAATGAACCAGAAACTGTTCATTTCTTTTTCA-3'
Protein context (NP_000273.2, residues 140-160): HPGYGFLSEN[Lys150Arg]EFARCLAAED

ClinVar aggregate classification (germline): Uncertain significance. Review status: criteria provided, multiple submitters, no conflicts (2 of 4 stars). 2 submissions from 2 submitters: Uncertain significance (2). Last evaluated 2023-12-22.

Conditions:
Propionic acidemia (PROP). Also called: GLYCINEMIA, KETOTIC; HYPERGLYCINEMIA WITH KETOACIDOSIS AND LEUKOPENIA; KETOTIC HYPERGLYCINEMIA. Identifiers: Orphanet 35, MedGen C0268579, MONDO:0011628, OMIM 606054, HP:0003571.

Allele frequency attached by ClinVar (database versions not stated): gnomAD 0.00001; ExAC 0.00003; TOPMed 0.00003; gnomAD exomes 0.00006; ESP Exome Variant Server 0.00008.
gnomAD v4.1: 85 of 1,611,264 alleles (0.0053%); highest among the groups gnomAD compares: Non-Finnish European, 0.007%; no homozygotes.

Submissions (2):

Labcorp Genetics (formerly Invitae), Labcorp
Classification: Uncertain significance for Propionic acidemia. Last evaluated: 2023-12-22. Review status: criteria provided, single submitter. Criteria: Invitae Variant Classification Sherloc (09022015). Collection method: clinical testing. Allele origin: germline.
Comment: This sequence change replaces lysine, which is basic and polar, with arginine, which is basic and polar, at codon 150 of the PCCA protein (p.Lys150Arg). This variant is present in population databases (rs146589365, gnomAD 0.007%). This variant has not been reported in the literature in individuals affected with PCCA-related conditions. ClinVar contains an entry for this variant (Variation ID: 2197660). Algorithms developed to predict the effect of missense changes on protein structure and function output the following: SIFT: "Not Available"; PolyPhen-2: "Benign"; Align-GVGD: "Not Available". The arginine amino acid residue is found in multiple mammalian species, which suggests that this missense change does not adversely affect protein function. In summary, the available evidence is currently insufficient to determine the role of this variant in disease. Therefore, it has been classified as a Variant of Uncertain Significance.

Blueprint Genetics
Classification: Uncertain significance. Last evaluated: 2022-10-13. Review status: criteria provided, single submitter. Criteria: ACMG Guidelines, 2015. Collection method: clinical testing. Allele origin: germline.